The following is an entry in ClinVar:

NM_000186.4(CFH):c.3361A>G (p.Thr1121Ala)

Gene: CFH (complement factor H; plus strand). Cytogenetic location: 1q31.3.
Variant type: single nucleotide variant.
Coding change: c.3361A>G on transcript NM_000186.4 (MANE Select); coding-DNA position 3361, A replaced by G.
Protein change: p.Thr1121Ala; replaces threonine 1121 with alanine.
Molecular consequence: missense variant.
Genome position (GRCh38, 1-based): chr1:196,745,867, A>G. VCF-style: chr1-196745867-A-G. GRCh37 (hg19) VCF-style: chr1-196714997-A-G.
Other names: short protein forms T1121A.
Identifiers: ClinVar variation 4291560 (VCV004291560.1).

ClinVar aggregate classification (germline): Uncertain significance (1 of 4 stars; one submission).

Conditions:
Atypical hemolytic-uremic syndrome. Identifiers: Orphanet 2134, MedGen C2931788, MONDO:0016244.
Basal laminar drusen. Also called: DRUSEN OF BRUCH MEMBRANE; DRUSEN, CUTICULAR; DRUSEN, EARLY ADULT-ONSET, GROUPED. Identifiers: Orphanet 75376, MedGen C0730295, MONDO:0007472, OMIM 126700.
Factor H deficiency (CFHD). Also called: COMPLEMENT FACTOR H DEFICIENCY; CFH DEFICIENCY. Identifiers: Orphanet 200421, MedGen C0398777, MONDO:0012350, OMIM 609814.
Age related macular degeneration 4. Identifiers: MedGen C1853147, MONDO:0012540, OMIM 610698.

Submission:

Genomenon, Inc
Classification: Uncertain significance for Basal laminar drusen; Age related macular degeneration 4; Atypical hemolytic-uremic syndrome; Factor H deficiency. Last evaluated: 2025-10-02. Review status: criteria provided, single submitter. Criteria: Genomenon Sequence Variant Interpretation Standards - Updated. Collection method: curation. Allele origin: germline. Affected: no.
Comment: CFH p.Thr1121Ala (c.3361A>G) is a missense variant that changes the amino acid at residue 1121 from Threonine to Alanine. This variant has been reported in the published literature (PMID:27160908). It is absent or not present at a significant frequency in gnomAD. In silico models agree that this variant is not damaging. In conclusion, we classify CFH p.Thr1121Ala (c.3361A>G) as a variant of uncertain significance.

Literature cited by the submitters: PubMed 27160908.